The following is an entry in ClinVar:

ClinVar aggregate classification (germline): Uncertain significance. Review status: criteria provided, multiple submitters, no conflicts (2 of 4 stars). 2 submissions from 2 submitters: Uncertain significance (2). Last evaluated 2024-12-14.

Conditions:
Familial thoracic aortic aneurysm and aortic dissection (TAAD). Also called: Thoracic aortic aneurysms and dissections. Identifiers: Orphanet 91387, MedGen C4707243, MONDO:0019625.
Rienhoff syndrome. Also called: LOEYS-DIETZ SYNDROME 5. Identifiers: MedGen C3810012, MONDO:0014262, OMIM 615582.

Submissions (2):

Ambry Genetics
Classification: Uncertain significance for Familial thoracic aortic aneurysm and aortic dissection. Last evaluated: 2024-12-14. Review status: criteria provided, single submitter. Criteria: Ambry Variant Classification Scheme 2023. Collection method: clinical testing. Allele origin: germline.
Comment: The p.Q112R variant (also known as c.335A>G), located in coding exon 1 of the TGFB3 gene, results from an A to G substitution at nucleotide position 335. The glutamine at codon 112 is replaced by arginine, an amino acid with highly similar properties. This amino acid position is conserved. In addition, this alteration is predicted to be tolerated by in silico analysis. Based on the available evidence, the clinical significance of this variant remains unclear.

Labcorp Genetics (formerly Invitae), Labcorp
Classification: Uncertain significance for Rienhoff syndrome. Last evaluated: 2020-03-04. Review status: criteria provided, single submitter. Criteria: Invitae Variant Classification Sherloc (09022015). Collection method: clinical testing. Allele origin: germline.
Comment: In summary, the available evidence is currently insufficient to determine the role of this variant in disease. Therefore, it has been classified as a Variant of Uncertain Significance. Algorithms developed to predict the effect of missense changes on protein structure and function (SIFT, PolyPhen-2, Align-GVGD) all suggest that this variant is likely to be tolerated, but these predictions have not been confirmed by published functional studies and their clinical significance is uncertain. This variant has not been reported in the literature in individuals with TGFB3-related conditions. This variant is not present in population databases (ExAC no frequency). This sequence change replaces glutamine with arginine at codon 112 of the TGFB3 protein (p.Gln112Arg). The glutamine residue is moderately conserved and there is a small physicochemical difference between glutamine and arginine.

NM_003239.5(TGFB3):c.335A>G (p.Gln112Arg)

Gene: TGFB3 (transforming growth factor beta 3; minus strand). Cytogenetic location: 14q24.3.
Variant type: single nucleotide variant.
Coding change: c.335A>G on transcript NM_003239.5 (MANE Select); coding-DNA position 335, A replaced by G.
Protein change: p.Gln112Arg; replaces glutamine 112 with arginine.
Molecular consequence: missense variant.
Genome position (GRCh38, 1-based): chr14:75,980,559, T>C on the plus strand (A>G on the coding strand, the complement: TGFB3 is on the minus strand). VCF-style: chr14-75980559-T-C. GRCh37 (hg19) VCF-style: chr14-76446902-T-C.
Other names: c.335A>G (NM_003239.2); c.335A>G, p.Gln112Arg (NM_001329938.2, NM_001329939.2); short protein forms Q112R.
Identifiers: ClinVar variation 1002091 (VCV001002091.13), dbSNP rs2035412849, ClinGen allele CA390470846.